The following is an entry in ClinVar:

NM_004044.7(ATIC):c.245del (p.Pro82fs)

Gene: ATIC (5-aminoimidazole-4-carboxamide ribonucleotide formyltransferase/IMP cyclohydrolase; plus strand). Cytogenetic location: 2q35.
Variant type: Deletion.
Coding change: c.245del on transcript NM_004044.7 (MANE Select); coding-DNA position 245, one base deleted (C; older notation c.245delC).
Protein change: p.Pro82fs; shifts the reading frame from proline 82.
Molecular consequence: frameshift variant.
Genome position (GRCh38, 1-based): chr2:215,319,686, C deleted; the last of 2 consecutive C bases (chr2:215,319,685-215,319,686); deleting either gives the same sequence. VCF-style (leftmost placement, unchanged base first): chr2-215319684-TC-T. GRCh37 (hg19) VCF-style: chr2-216184407-TC-T.
Other names: c.245delC (NM_004044.7); short protein forms P82fs.
Identifiers: ClinVar variation 4850272 (VCV004850272.1), dbSNP rs757991085.

ClinVar aggregate classification (germline): Likely pathogenic (1 of 4 stars; one submission).

Conditions:
AICA-ribosiduria. Also called: AICA-ribosiduria due to ATIC deficiency; ATIC DEFICIENCY. Identifiers: Orphanet 250977, MedGen C1837530, MONDO:0012099, OMIM 608688.

Submission:

First Genomix Gene Laboratory, Genetic Diagnostics Department
Classification: Likely pathogenic for AICA-ribosiduria. Last evaluated: 2025-09-03. Review status: criteria provided, single submitter. Criteria: ACMG Guidelines, 2015. Collection method: clinical testing. Allele origin: germline. Inheritance: Autosomal recessive inheritance. Affected: no. Observed: 1 variant allele.